The following is an entry in ClinVar:

ClinVar aggregate classification (germline): Uncertain significance (1 of 4 stars; one submission).

Conditions:
Generalized epilepsy with febrile seizures plus, type 7 (GEFSP7). Also called: GEFS+, TYPE 7. Identifiers: Orphanet 36387, MedGen C2751778, MONDO:0013470, OMIM 613863.
Neuropathy, hereditary sensory and autonomic, type 2A (HSAN2A). Also called: MORVAN DISEASE; NEUROPATHY, CONGENITAL SENSORY; NEUROPATHY, HEREDITARY SENSORY RADICULAR, AUTOSOMAL RECESSIVE; NEUROPATHY, HEREDITARY SENSORY, TYPE IIA; NEUROPATHY, PROGRESSIVE SENSORY, OF CHILDREN; ACROOSTEOLYSIS, GIACCAI TYPE. Identifiers: Orphanet 970, MedGen C2752089, MONDO:0024309, OMIM 201300.

gnomAD v4.1: 4 of 1,595,994 alleles (0.00025%); highest among the groups gnomAD compares: Non-Finnish European, 0.00034%; no homozygotes.

Submission:

Labcorp Genetics (formerly Invitae), Labcorp
Classification: Uncertain significance for Neuropathy, hereditary sensory and autonomic, type 2A; Generalized epilepsy with febrile seizures plus, type 7. Last evaluated: 2025-04-09. Review status: criteria provided, single submitter. Criteria: Invitae Variant Classification Sherloc (09022015). Collection method: clinical testing. Allele origin: germline.
Comment: This sequence change replaces serine, which is neutral and polar, with cysteine, which is neutral and slightly polar, at codon 1004 of the SCN9A protein (p.Ser1004Cys). This variant is present in population databases (rs372016328, gnomAD 0.0009%). This variant has not been reported in the literature in individuals affected with SCN9A-related conditions. ClinVar contains an entry for this variant (Variation ID: 965634). Invitae Evidence Modeling of protein sequence and biophysical properties (such as structural, functional, and spatial information, amino acid conservation, physicochemical variation, residue mobility, and thermodynamic stability) indicates that this missense variant is not expected to disrupt SCN9A protein function with a negative predictive value of 95%. In summary, the available evidence is currently insufficient to determine the role of this variant in disease. Therefore, it has been classified as a Variant of Uncertain Significance.

NM_001365536.1(SCN9A):c.3044C>G (p.Ser1015Cys)

Genes: SCN1A-AS1 (SCN1A and SCN9A antisense RNA 1; plus strand), SCN9A (sodium voltage-gated channel alpha subunit 9; minus strand). Cytogenetic location: 2q24.3.
Variant type: single nucleotide variant.
Coding change: c.3044C>G on transcript NM_001365536.1 (MANE Select); coding-DNA position 3044, C replaced by G.
Protein change: p.Ser1015Cys; replaces serine 1015 with cysteine.
Molecular consequence: missense variant.
Genome position (GRCh38, 1-based): chr2:166,272,706, G>C on the plus strand (C>G on the coding strand, the complement: SCN9A is on the minus strand). VCF-style: chr2-166272706-G-C. GRCh37 (hg19) VCF-style: chr2-167129216-G-C.
Other names: c.3011C>G, p.Ser1004Cys (NM_002977.4); short protein forms S1004C, S1015C.
Identifiers: ClinVar variation 965634 (VCV000965634.10), dbSNP rs372016328, ClinGen allele CA1944148.